The following is an entry in ClinVar:

NM_000548.5(TSC2):c.1946+6_1946+7del

Gene: TSC2 (TSC complex subunit 2; plus strand). Cytogenetic location: 16p13.3.
Variant type: Microsatellite.
Coding change: c.1946+6_1946+7del on transcript NM_000548.5 (MANE Select); bases 6 to 7 of the intron after coding-DNA position 1946, 2 bases deleted (CG; older notation c.1946+6_1946+7delCG).
Molecular consequence: intron variant.
Genome position (GRCh38, 1-based): chr16:2,071,622-2,071,623, CG deleted; deleting any 2 consecutive bases within chr16:2,071,620-2,071,623 gives the same sequence; the c. name uses the placement nearest the transcript's 3' end. VCF-style (leftmost placement, unchanged base first): chr16-2071619-ACG-A. GRCh37 (hg19) VCF-style: chr16-2121620-ACG-A.
Other names: c.1946+6_1946+7del (NM_001114382.3, NM_021055.3, NM_001370405.1 and 3 more transcripts); c.1799+6_1799+7del (NM_001318829.2); c.1979+6_1979+7del (NM_001318832.2); c.1835+6_1835+7del (NM_001318827.2); c.1346+6_1346+7del (NM_001318831.2).
Identifiers: ClinVar variation 1014381 (VCV001014381.9), dbSNP rs2088411660, ClinGen allele CA2202022352.

ClinVar aggregate classification (germline): Uncertain significance (1 of 4 stars; one submission).

Conditions:
Tuberous sclerosis 2 (TSC2). Identifiers: Orphanet 805, MedGen C1860707, MONDO:0013199, OMIM 613254.

Submission:

Labcorp Genetics (formerly Invitae), Labcorp
Classification: Uncertain significance for Tuberous sclerosis 2. Last evaluated: 2020-02-20. Review status: criteria provided, single submitter. Criteria: Invitae Variant Classification Sherloc (09022015). Collection method: clinical testing. Allele origin: germline.
Comment: Nucleotide substitutions within the consensus splice site are a relatively common cause of aberrant splicing (PMID: 17576681, 9536098). Algorithms developed to predict the effect of sequence changes on RNA splicing suggest that this variant is not likely to affect RNA splicing, but this prediction has not been confirmed by published transcriptional studies. In summary, the available evidence is currently insufficient to determine the role of this variant in disease. Therefore, it has been classified as a Variant of Uncertain Significance. This variant has not been reported in the literature in individuals with TSC2-related conditions. This variant is not present in population databases (ExAC no frequency). This sequence change falls in intron 18 of the TSC2 gene. It does not directly change the encoded amino acid sequence of the TSC2 protein, but it affects nucleotides within the consensus splice site of the intron.

Literature cited by the submitters: PubMed 17576681; PubMed 9536098.